The following is an entry in ClinVar:

ClinVar aggregate classification (germline): Uncertain significance (1 of 4 stars; one submission).

Conditions:
Periodontitis, aggressive. Identifiers: MedGen C0031106, MONDO:0980757.
Papillon-Lefèvre syndrome (PALS). Also called: KERATOSIS PALMOPLANTARIS WITH PERIODONTOPATHIA; Papillon-Lefevre Disease. Identifiers: Orphanet 678, MedGen C0030360, MONDO:0009490, OMIM 245000.
Haim-Munk syndrome (HMS). Also called: COCHIN JEWISH DISORDER; KERATOSIS PALMOPLANTARIS WITH PERIODONTOPATHIA AND ONYCHOGRYPOSIS. Identifiers: Orphanet 2342, MedGen C1855627, MONDO:0009491, OMIM 245010.

Submission:

Labcorp Genetics (formerly Invitae), Labcorp
Classification: Uncertain significance for Haim-Munk syndrome; Periodontitis, aggressive; Papillon-Lefèvre syndrome. Last evaluated: 2022-02-04. Review status: criteria provided, single submitter. Criteria: Invitae Variant Classification Sherloc (09022015). Collection method: clinical testing. Allele origin: germline.
Comment: This variant, c.1338_1340del, results in the deletion of 1 amino acid(s) of the CTSC protein (p.Asp446del), but otherwise preserves the integrity of the reading frame. This variant is not present in population databases (gnomAD no frequency). This variant has not been reported in the literature in individuals affected with CTSC-related conditions. Experimental studies and prediction algorithms are not available or were not evaluated, and the functional significance of this variant is currently unknown. In summary, the available evidence is currently insufficient to determine the role of this variant in disease. Therefore, it has been classified as a Variant of Uncertain Significance.

NM_001814.6(CTSC):c.1335TGA[1] (p.Asp446del)

Gene: CTSC (cathepsin C; minus strand). Cytogenetic location: 11q14.2.
Variant type: Microsatellite.
Coding change: c.1335TGA[1] on transcript NM_001814.6 (MANE Select); one copy of the 3-base unit TGA starting at c.1335; the reference has two copies in a row; one copy, 3 bases deleted.
Protein change: p.Asp446del; deletes aspartic acid 446.
Molecular consequence: inframe deletion.
Genome position (GRCh38, 1-based): chr11:88,294,058-88,294,060, TCA deleted on the plus strand (TGA on the coding strand, the reverse complement: CTSC is on the minus strand); deleting any 3 consecutive bases within chr11:88,294,058-88,294,063 gives the same sequence; the position shown is the placement nearest the transcript's 3' end. VCF-style (leftmost placement, unchanged base first): chr11-88294057-CTCA-C. GRCh37 (hg19) VCF-style: chr11-88027225-CTCA-C.
Other names: short protein forms D446del.
Identifiers: ClinVar variation 1520488 (VCV001520488.5), dbSNP rs2496528291, ClinGen allele CA2580616399.